The following is an entry in ClinVar:

ClinVar aggregate classification (germline): Uncertain significance (1 of 4 stars; one submission).

Conditions:
Immunodeficiency 39 (IMD39). Identifiers: Orphanet 574918, MedGen C4225358, MONDO:0014597, OMIM 616345.

Allele frequency attached by ClinVar (database versions not stated): gnomAD exomes below 0.00001; gnomAD 0.00001; TOPMed 0.00001.
gnomAD v4.1: 6 of 1,612,922 alleles (0.00037%); highest among the groups gnomAD compares: South Asian, 0.0011%; no homozygotes.

Submission:

Labcorp Genetics (formerly Invitae), Labcorp
Classification: Uncertain significance for Immunodeficiency 39. Last evaluated: 2025-05-07. Review status: criteria provided, single submitter. Criteria: Invitae Variant Classification Sherloc (09022015). Collection method: clinical testing. Allele origin: germline.
Comment: This sequence change replaces arginine, which is basic and polar, with histidine, which is basic and polar, at codon 435 of the IRF7 protein (p.Arg435His). This variant is present in population databases (no rsID available, gnomAD 0.0009%). This variant has not been reported in the literature in individuals affected with IRF7-related conditions. ClinVar contains an entry for this variant (Variation ID: 1431712). Invitae Evidence Modeling of protein sequence and biophysical properties (such as structural, functional, and spatial information, amino acid conservation, physicochemical variation, residue mobility, and thermodynamic stability) indicates that this missense variant is expected to disrupt IRF7 protein function with a positive predictive value of 80%. In summary, the available evidence is currently insufficient to determine the role of this variant in disease. Therefore, it has been classified as a Variant of Uncertain Significance.

NM_001572.5(IRF7):c.1265G>A (p.Arg422His)

Gene: IRF7 (interferon regulatory factor 7; minus strand). Cytogenetic location: 11p15.5.
Variant type: single nucleotide variant.
Coding change: c.1265G>A on transcript NM_001572.5 (MANE Select); coding-DNA position 1265, G replaced by A.
Protein change: p.Arg422His; replaces arginine 422 with histidine.
Molecular consequence: missense variant.
Genome position (GRCh38, 1-based): chr11:613,090, C>T on the plus strand (G>A on the coding strand, the complement: IRF7 is on the minus strand). VCF-style: chr11-613090-C-T. GRCh37 (hg19) VCF-style: chr11-613090-C-T.
Other names: c.1178G>A, p.Arg393His (NM_004029.4); c.1304G>A, p.Arg435His (NM_004031.4); short protein forms R422H, R393H, R435H.
Identifiers: ClinVar variation 1431712 (VCV001431712.8), dbSNP rs1388334813, ClinGen allele CA378977173.